The following is an entry in ClinVar:

ClinVar aggregate classification (germline): Pathogenic (1 of 4 stars; one submission).

Conditions:
Anauxetic dysplasia. Identifiers: Orphanet 93347, MedGen C1846796, MONDO:0011773.

Submission:

Labcorp Genetics (formerly Invitae), Labcorp
Classification: Pathogenic for Anauxetic dysplasia. Last evaluated: 2025-10-03. Review status: criteria provided, single submitter. Criteria: Invitae Variant Classification Sherloc (09022015). Collection method: clinical testing. Allele origin: germline.
Comment: This variant occurs in the RMRP gene, which encodes an RNA molecule that does not result in a protein product. This variant is not present in population databases (gnomAD no frequency). While this particular variant has not been reported in the literature, it is located in the promoter region between the TATA box and the transcription initiation site, and other insertions and duplications immediately upstream of the coding sequence have been reported in individuals affected with cartilage-hair hypoplasia-anauxetic dysplasia (CHH-AD) spectrum disorders (PMID: 16244706, 11207361, 12107819). Algorithms developed to predict the effect of variants on gene product structure and function are not available or were not evaluated for this variant. While functional studies for this variant have not been reported, experimental analyses using patient derived cells, as well as in vitro transfection studies, have shown that promoter insertions result in silencing of RMRP transcription and reduced expression of the gene product (PMID: 11207361, 16254002). For these reasons, this variant has been classified as Pathogenic.

Literature cited by the submitters: PubMed 16244706; PubMed 11207361; PubMed 12107819; PubMed 16254002.

NC_000009.12:g.35658022_35658023insTCTCAGCTTCACAGA

Gene: RMRP (RNA component of mitochondrial RNA processing endoribonuclease; minus strand). Cytogenetic location: 9p13.3.
Variant type: Insertion.
Genome position: GRCh38 VCF-style: chr9-35658022-T-TTCTCAGCTTCACAGA. GRCh37 (hg19) VCF-style: chr9-35658019-T-TTCTCAGCTTCACAGA.
Identifiers: ClinVar variation 4772431 (VCV004772431.1).